The following is an entry in ClinVar:

NM_024675.4(PALB2):c.2587-16G>T

Gene: PALB2 (partner and localizer of BRCA2; minus strand). Cytogenetic location: 16p12.2.
Variant type: single nucleotide variant.
Coding change: c.2587-16G>T on transcript NM_024675.4 (MANE Select); 16 bases into the intron before coding-DNA position 2587, G replaced by T.
Molecular consequence: intron variant.
Genome position (GRCh38, 1-based): chr16:23,626,413, C>A on the plus strand (G>T on the coding strand, the complement: PALB2 is on the minus strand). VCF-style: chr16-23626413-C-A. GRCh37 (hg19) VCF-style: chr16-23637734-C-A.
Identifiers: ClinVar variation 1539528 (VCV001539528.10), dbSNP rs1057522563, ClinGen allele CA621661846.

ClinVar aggregate classification (germline): Likely benign. Review status: criteria provided, multiple submitters, no conflicts (2 of 4 stars). 2 submissions from 2 submitters: Likely benign (2). Last evaluated 2025-09-17.

Conditions:
Familial cancer of breast. Also called: hereditary breast carcinoma; BREAST CANCER, FAMILIAL; Hereditary breast cancer. Identifiers: Orphanet 227535, MedGen C0346153, MONDO:0016419, OMIM 114480. Disease mechanism: loss of function.

Allele frequency attached by ClinVar (database versions not stated): gnomAD 0.00001.

Submissions (2):

Labcorp Genetics (formerly Invitae), Labcorp
Classification: Likely benign for Familial cancer of breast. Last evaluated: 2025-09-17. Review status: criteria provided, single submitter. Criteria: Invitae Variant Classification Sherloc (09022015). Collection method: clinical testing. Allele origin: germline.

Myriad Genetics, Inc.
Classification: Likely benign for Familial cancer of breast. Last evaluated: 2025-01-16. Review status: criteria provided, single submitter. Criteria: Myriad Autosomal Dominant, Autosomal Recessive and X-Linked Classification Criteria (2023). Collection method: clinical testing. Allele origin: unknown.
Comment: This variant is considered likely benign. This variant is intronic and is not expected to impact mRNA splicing.